The following is an entry in ClinVar:

ClinVar aggregate classification (germline): Conflicting classifications of pathogenicity. Review status: criteria provided, conflicting classifications (1 of 4 stars). 5 submissions from 5 submitters: Uncertain significance (1); Likely benign (4). Last evaluated 2026-09-01.

Conditions:
Kabuki syndrome. Also called: Kabuki make-up syndrome; NIIKAWA-KUROKI SYNDROME. Identifiers: Orphanet 2322, MedGen C0796004, MONDO:0016512.
Kabuki syndrome 1 (KABUK1). Also called: KMT2D-Related Kabuki Syndrome. Identifiers: Orphanet 2322, MedGen CN030661, MONDO:0007843, OMIM 147920.
KMT2D-related disorder. Also called: KMT2D-Related Disorders.

Allele frequency attached by ClinVar (database versions not stated): gnomAD exomes 0.00007 and 0.00009; TOPMed 0.00010; gnomAD 0.00015 and 0.00016; 1000 Genomes Project 30x 0.00016; ESP Exome Variant Server 0.00017; 1000 Genomes Project 0.00020; ExAC 0.00022.
gnomAD v4.1: 159 of 1,598,868 alleles (0.0099%); highest among the groups gnomAD compares: African/African-American, 0.023%; no homozygotes.

Submissions (5):

PreventionGenetics, part of Exact Sciences
Classification: Likely benign for KMT2D-related condition. Last evaluated: 2026-09-01. Review status: criteria provided, single submitter. Criteria: ACMG Guidelines, 2015. Collection method: clinical testing. Allele origin: germline.
Comment: This variant is classified as likely benign based on ACMG/AMP sequence variant interpretation guidelines (Richards et al. 2015 PMID: 25741868, with internal and published modifications).

Labcorp Genetics (formerly Invitae), Labcorp
Classification: Likely benign for Kabuki syndrome. Last evaluated: 2025-12-31. Review status: criteria provided, single submitter. Criteria: Invitae Variant Classification Sherloc (09022015). Collection method: clinical testing. Allele origin: germline.

Blueprint Genetics
Classification: Likely benign. Last evaluated: 2024-02-19. Review status: criteria provided, single submitter. Criteria: ACMG Guidelines, 2015. Collection method: clinical testing. Allele origin: germline.

GeneDx
Classification: Likely benign. Last evaluated: 2019-04-02. Review status: criteria provided, single submitter. Criteria: GeneDx Variant Classification Process June 2021. Collection method: clinical testing. Allele origin: germline. Affected: yes.
Comment: See Variant Classification Assertion Criteria.

Center for Human Genetics, Inc
Classification: Uncertain significance for Kabuki syndrome 1. Last evaluated: 2016-11-01. Review status: criteria provided, single submitter. Criteria: ACMG Guidelines, 2015. Collection method: clinical testing. Allele origin: germline. Affected: yes.

NM_003482.4(KMT2D):c.8579G>A (p.Arg2860His)

Gene: KMT2D (lysine methyltransferase 2D; minus strand). Cytogenetic location: 12q13.12.
Variant type: single nucleotide variant.
Coding change: c.8579G>A on transcript NM_003482.4 (MANE Select); coding-DNA position 8579, G replaced by A.
Protein change: p.Arg2860His; replaces arginine 2860 with histidine.
Molecular consequence: missense variant.
Genome position (GRCh38, 1-based): chr12:49,038,777, C>T on the plus strand (G>A on the coding strand, the complement: KMT2D is on the minus strand). VCF-style: chr12-49038777-C-T. GRCh37 (hg19) VCF-style: chr12-49432560-C-T.
Other names: short protein forms R2860H.
Identifiers: ClinVar variation 547458 (VCV000547458.14), dbSNP rs377747403, ClinGen allele CA6546818.
Genomic context (GRCh38, chr12:49,038,777, plus strand): 5'-AGCTCAATGAACTGGGCAGGACCAGCTGGACCAGGCACTGGCTCACCAGGGCCTGGCAGA[C>T]GGGTGGAAATTCCCGCCAACGGGGAACCTAGGGCTTGGCGGCCAAGTTCAGGTCCAGGAG-3'
Protein context (NP_003473.3, residues 2850-2870): LGSPLAGIST[Arg2860His]LPGPGEPVPG